The following is an entry in ClinVar:

NM_024753.5(TTC21B):c.523G>A (p.Gly175Arg)

Genes: TTC21B (tetratricopeptide repeat domain 21B; minus strand), TTC21B-AS1 (TTC21B antisense RNA 1; plus strand). Cytogenetic location: 2q24.3.
Variant type: single nucleotide variant.
Coding change: c.523G>A on transcript NM_024753.5 (MANE Select); coding-DNA position 523, G replaced by A.
Protein change: p.Gly175Arg; replaces glycine 175 with arginine.
Molecular consequence: missense variant.
Genome position (GRCh38, 1-based): chr2:165,943,248, C>T on the plus strand (G>A on the coding strand, the complement: TTC21B is on the minus strand). VCF-style: chr2-165943248-C-T. GRCh37 (hg19) VCF-style: chr2-166799758-C-T.
Other names: c.523G>A (NM_024753.4); short protein forms G175R.
Identifiers: ClinVar variation 1462157 (VCV001462157.9), dbSNP rs771788049, ClinGen allele CA1942417.
Genomic context (GRCh38, chr2:165,943,248, plus strand): 5'-ACATGATTTATTTACCCTAACTCCAACTCACCTTACCCAGCAGAGCAAAAGTATCATTCC[C>T]ATCTTGGAGTCCCTCTTCAAAATACTTCAGTGCTTTTTTAGTGTAAGGCTCTTTTCCTCT-3'
Protein context (NP_079029.3, residues 165-185): LKYFEEGLQD[Gly175Arg]NDTFALLGKA

ClinVar aggregate classification (germline): Conflicting classifications of pathogenicity. Review status: criteria provided, conflicting classifications (1 of 4 stars). 2 submissions from 2 submitters: Uncertain significance (1); Likely benign (1). Last evaluated 2026-04-26.

Conditions:
TTC21B-related disorder. Also called: TTC21B-related condition; TTC21B-related disorders.
Nephronophthisis. Also called: Juvenile Nephronophthisis. Identifiers: Orphanet 655, MedGen C0687120, MONDO:0019005, HP:0000090.
Jeune thoracic dystrophy. Also called: Short-rib thoracic dysplasia; Jeune syndrome; Infantile thoracic dystrophy; Thoracic pelvic phalangeal dystrophy; Jeune's syndrome; Chondroectodermal dysplasia-like syndrome. Identifiers: Orphanet 474, MedGen C0265275, MONDO:0018770.

Allele frequency attached by ClinVar (database versions not stated): gnomAD exomes 0.00001 and 0.00005; gnomAD 0.00002; TOPMed 0.00002; ExAC 0.00007.
gnomAD v4.1: 20 of 1,613,532 alleles (0.0012%); highest among the groups gnomAD compares: East Asian, 0.033%; 1 homozygote.

Submissions (2):

PreventionGenetics, part of Exact Sciences
Classification: Uncertain significance for TTC21B-related condition. Last evaluated: 2026-04-26. Review status: criteria provided, single submitter. Criteria: ACMG Guidelines, 2015. Collection method: clinical testing. Allele origin: germline.
Comment: The TTC21B c.523G>A variant is predicted to result in the amino acid substitution p.Gly175Arg. To our knowledge, this variant has not been reported in the literature. This variant is reported in 0.065% of alleles in individuals of East Asian descent in gnomAD. Although we suspect that this variant may be benign, at this time, the clinical significance of this variant is uncertain due to the absence of conclusive functional and genetic evidence.

Labcorp Genetics (formerly Invitae), Labcorp
Classification: Likely benign for Jeune thoracic dystrophy; Nephronophthisis. Last evaluated: 2024-12-13. Review status: criteria provided, single submitter. Criteria: Invitae Variant Classification Sherloc (09022015). Collection method: clinical testing. Allele origin: germline.